The following is an entry in ClinVar:

NM_130466.4(UBE3B):c.1022C>T (p.Thr341Met)

Gene: UBE3B (ubiquitin protein ligase E3B; plus strand). Cytogenetic location: 12q24.11.
Variant type: single nucleotide variant.
Coding change: c.1022C>T on transcript NM_130466.4 (MANE Select); coding-DNA position 1022, C replaced by T.
Protein change: p.Thr341Met; replaces threonine 341 with methionine.
Molecular consequence: missense variant.
Genome position (GRCh38, 1-based): chr12:109,499,714, C>T. VCF-style: chr12-109499714-C-T. GRCh37 (hg19) VCF-style: chr12-109937519-C-T.
Other names: c.1022C>T, p.Thr341Met (NM_183415.3); short protein forms T341M.
Identifiers: ClinVar variation 1964097 (VCV001964097.5), dbSNP rs201028903, ClinGen allele CA6777771.

ClinVar aggregate classification (germline): Conflicting classifications of pathogenicity. Review status: criteria provided, conflicting classifications (1 of 4 stars). 2 submissions from 2 submitters: Uncertain significance (1); Likely benign (1). Last evaluated 2026-02-01.

Conditions:
Inborn genetic diseases. Identifiers: MedGen C0950123, MeSH D030342.

Allele frequency attached by ClinVar (database versions not stated): gnomAD 0.00043; ESP Exome Variant Server 0.00023; ExAC 0.00026; TOPMed 0.00043.
gnomAD v4.1: 631 of 1,613,458 alleles (0.039%); highest among the groups gnomAD compares: Admixed American, 0.11%; 1 homozygote.

Submissions (2):

Labcorp Genetics (formerly Invitae), Labcorp
Classification: Uncertain significance. Last evaluated: 2026-02-01. Review status: criteria provided, single submitter. Criteria: Invitae Variant Classification Sherloc (09022015). Collection method: clinical testing. Allele origin: germline.
Comment: This sequence change replaces threonine, which is neutral and polar, with methionine, which is neutral and non-polar, at codon 341 of the UBE3B protein (p.Thr341Met). This variant is present in population databases (rs201028903, gnomAD 0.06%). This variant has not been reported in the literature in individuals affected with UBE3B-related conditions. ClinVar contains an entry for this variant (Variation ID: 1964097). Invitae Evidence Modeling of protein sequence and biophysical properties (such as structural, functional, and spatial information, amino acid conservation, physicochemical variation, residue mobility, and thermodynamic stability) indicates that this missense variant is not expected to disrupt UBE3B protein function with a negative predictive value of 80%. In summary, the available evidence is currently insufficient to determine the role of this variant in disease. Therefore, it has been classified as a Variant of Uncertain Significance.

Ambry Genetics
Classification: Likely benign for Inborn genetic diseases. Last evaluated: 2022-06-28. Review status: criteria provided, single submitter. Criteria: Ambry Variant Classification Scheme 2023. Collection method: clinical testing. Allele origin: germline.